The following is an entry in ClinVar:

NM_005004.4(NDUFB8):c.513C>T (p.Gly171=)

Gene: NDUFB8 (NADH:ubiquinone oxidoreductase subunit B8; minus strand). Cytogenetic location: 10q24.31.
Variant type: single nucleotide variant.
Coding change: c.513C>T on transcript NM_005004.4 (MANE Select); coding-DNA position 513, C replaced by T.
Protein change: p.Gly171=; no amino-acid change (glycine 171 retained).
Molecular consequence: synonymous variant. On other transcripts: 3 prime UTR variant (1).
Genome position (GRCh38, 1-based): chr10:100,523,885, G>A on the plus strand (C>T on the coding strand, the complement: NDUFB8 is on the minus strand). VCF-style: chr10-100523885-G-A. GRCh37 (hg19) VCF-style: chr10-102283642-G-A.
Other names: c.*204C>T (NM_001284367.2); c.420C>T, p.Gly140= (NM_001284368.1); c.513C>T (NM_005004.3).
Identifiers: ClinVar variation 1532643 (VCV001532643.11), dbSNP rs145033355, ClinGen allele CA5650093.
Genomic context (GRCh38, chr10:100,523,885, plus strand): 5'-CACGAAGCCTCCTCAGATCTCATAGTGAACCACCCGCTCTGGTTCTTTGGAGGGATCACC[G>A]CCTCGTTCCAGGTACAGATTATTGTAAGGATACTGCTTTGGTCCCTACAGAAAAAAACAC-3'
Protein context (NP_004995.1, residues 161-181): YPYNNLYLER[Gly171=]GDPSKEPERV

ClinVar aggregate classification (germline): Benign. Review status: criteria provided, multiple submitters, no conflicts (2 of 4 stars). 3 submissions from 3 submitters: Benign (2). 1 of the submissions does not count toward it. Last evaluated 2026-01-28.

Conditions:
NDUFB8-related disorder. Also called: NDUFB8-related condition.

Allele frequency attached by ClinVar (database versions not stated): ExAC 0.00152; 1000 Genomes Project 0.00200; 1000 Genomes Project 30x 0.00234; gnomAD 0.00489 and 0.00534; ESP Exome Variant Server 0.00538; TOPMed 0.00548.
gnomAD v4.1: 1,493 of 1,614,106 alleles (0.092%); highest among the groups gnomAD compares: African/African-American, 1.8%; 15 homozygotes.

Submissions (3):

Labcorp Genetics (formerly Invitae), Labcorp
Classification: Benign. Last evaluated: 2026-01-28. Review status: criteria provided, single submitter. Criteria: Invitae Variant Classification Sherloc (09022015). Collection method: clinical testing. Allele origin: germline.

Breakthrough Genomics
Classification: Benign. Review status: criteria provided, single submitter. Criteria: ACMG Guidelines, 2015. Collection method: not provided. Allele origin: germline. Inheritance: Autosomal recessive inheritance. Affected: yes.

PreventionGenetics, part of Exact Sciences
Classification: Benign for NDUFB8-related condition. Last evaluated: 2019-04-29. Review status: no assertion criteria provided. Collection method: clinical testing. Allele origin: germline. Not counted in ClinVar's aggregate classification.
Comment: This variant is classified as benign based on ACMG/AMP sequence variant interpretation guidelines (Richards et al. 2015 PMID: 25741868, with internal and published modifications).